The following is an entry in ClinVar:

NM_004519.4(KCNQ3):c.767C>T (p.Ala256Val)

Gene: KCNQ3 (potassium voltage-gated channel subfamily Q member 3; minus strand). Cytogenetic location: 8q24.22.
Variant type: single nucleotide variant.
Coding change: c.767C>T on transcript NM_004519.4 (MANE Select); coding-DNA position 767, C replaced by T.
Protein change: p.Ala256Val; replaces alanine 256 with valine.
Molecular consequence: missense variant.
Genome position (GRCh38, 1-based): chr8:132,180,167, G>A on the plus strand (C>T on the coding strand, the complement: KCNQ3 is on the minus strand). VCF-style: chr8-132180167-G-A. GRCh37 (hg19) VCF-style: chr8-133192414-G-A.
Other names: c.407C>T, p.Ala136Val (NM_001204824.2); short protein forms A136V, A256V.
Identifiers: ClinVar variation 2854916 (VCV002854916.3), dbSNP rs2536952439, ClinGen allele CA372290670.

ClinVar aggregate classification (germline): Uncertain significance (1 of 4 stars; one submission).

Conditions:
Benign neonatal seizures. Also called: Benign neonatal familial convulsions; Benign familial neonatal epilepsy; Benign familial neonatal seizures; Convulsions benign familial neonatal dominant form; Autosomal dominant form of benign neonatal seizures. Identifiers: Orphanet 1949, MedGen C0220669, MONDO:0016027.

Submission:

Labcorp Genetics (formerly Invitae), Labcorp
Classification: Uncertain significance for Benign neonatal seizures. Last evaluated: 2023-11-17. Review status: criteria provided, single submitter. Criteria: Invitae Variant Classification Sherloc (09022015). Collection method: clinical testing. Allele origin: germline.
Comment: This sequence change replaces alanine, which is neutral and non-polar, with valine, which is neutral and non-polar, at codon 256 of the KCNQ3 protein (p.Ala256Val). This variant is not present in population databases (gnomAD no frequency). This variant has not been reported in the literature in individuals affected with KCNQ3-related conditions. Advanced modeling of protein sequence and biophysical properties (such as structural, functional, and spatial information, amino acid conservation, physicochemical variation, residue mobility, and thermodynamic stability) performed at Invitae indicates that this missense variant is not expected to disrupt KCNQ3 protein function with a negative predictive value of 80%. In summary, the available evidence is currently insufficient to determine the role of this variant in disease. Therefore, it has been classified as a Variant of Uncertain Significance.